The following is an entry in ClinVar:

ClinVar aggregate classification (germline): Uncertain significance. Review status: criteria provided, multiple submitters, no conflicts (2 of 4 stars). 2 submissions from 2 submitters: Uncertain significance (2). Last evaluated 2022-07-12.

Conditions:
Familial thoracic aortic aneurysm and aortic dissection (TAAD). Also called: Thoracic aortic aneurysms and dissections. Identifiers: Orphanet 91387, MedGen C4707243, MONDO:0019625.
Ehlers-Danlos syndrome, kyphoscoliotic type 1 (EDSKSCL1). Also called: PLOD1-Related Kyphoscoliotic Ehlers-Danlos Syndrome; Ehlers-Danlos syndrome, hydroxylysine-deficient; EHLERS-DANLOS SYNDROME, OCULAR-SCOLIOTIC TYPE; EHLERS-DANLOS SYNDROME, TYPE VIA. Identifiers: Orphanet 1900, MedGen C0268342, MONDO:0016002, OMIM 225400. Disease mechanism: loss of function.

Allele frequency attached by ClinVar (database versions not stated): gnomAD 0.00001; gnomAD exomes 0.00001; TOPMed 0.00001; ExAC 0.00002.
gnomAD v4.1: 18 of 1,613,670 alleles (0.0011%); highest among the groups gnomAD compares: Middle Eastern, 0.016%; no homozygotes.

Submissions (2):

Labcorp Genetics (formerly Invitae), Labcorp
Classification: Uncertain significance for Ehlers-Danlos syndrome, kyphoscoliotic type 1. Last evaluated: 2022-07-12. Review status: criteria provided, single submitter. Criteria: Invitae Variant Classification Sherloc (09022015). Collection method: clinical testing. Allele origin: germline.
Comment: This sequence change replaces threonine, which is neutral and polar, with methionine, which is neutral and non-polar, at codon 287 of the PLOD1 protein (p.Thr287Met). This variant is present in population databases (rs777957649, gnomAD 0.006%). This variant has not been reported in the literature in individuals affected with PLOD1-related conditions. ClinVar contains an entry for this variant (Variation ID: 583256). Algorithms developed to predict the effect of missense changes on protein structure and function output the following: SIFT: "Tolerated"; PolyPhen-2: "Benign"; Align-GVGD: "Class C0". The methionine amino acid residue is found in multiple mammalian species, which suggests that this missense change does not adversely affect protein function. In summary, the available evidence is currently insufficient to determine the role of this variant in disease. Therefore, it has been classified as a Variant of Uncertain Significance.

Ambry Genetics
Classification: Uncertain significance for Familial thoracic aortic aneurysm and aortic dissection. Last evaluated: 2022-03-09. Review status: criteria provided, single submitter. Criteria: Ambry Variant Classification Scheme 2023. Collection method: clinical testing. Allele origin: germline.
Comment: The p.T287M variant (also known as c.860C>T), located in coding exon 9 of the PLOD1 gene, results from a C to T substitution at nucleotide position 860. The threonine at codon 287 is replaced by methionine, an amino acid with similar properties. This amino acid position is conserved. In addition, this alteration is predicted to be tolerated by in silico analysis. Since supporting evidence is limited at this time, the clinical significance of this alteration remains unclear.

NM_000302.4(PLOD1):c.860C>T (p.Thr287Met)

Gene: PLOD1 (procollagen-lysine,2-oxoglutarate 5-dioxygenase 1; plus strand). Cytogenetic location: 1p36.22.
Variant type: single nucleotide variant.
Coding change: c.860C>T on transcript NM_000302.4 (MANE Select); coding-DNA position 860, C replaced by T.
Protein change: p.Thr287Met; replaces threonine 287 with methionine.
Molecular consequence: missense variant.
Genome position (GRCh38, 1-based): chr1:11,958,532, C>T. VCF-style: chr1-11958532-C-T. GRCh37 (hg19) VCF-style: chr1-12018589-C-T.
Other names: c.1001C>T, p.Thr334Met (NM_001316320.2); short protein forms T287M, T334M.
Identifiers: ClinVar variation 583256 (VCV000583256.6), dbSNP rs777957649, ClinGen allele CA598181.
Genomic context (GRCh38, chr1:11,958,532, plus strand): 5'-TGACTGGACACTGCTGGACTCTTGTGCCGCCCTCCCTGGTGCAGGATGAAGCTCTGCCCA[C>T]GGTCCTGGTCGGCGTGTTCATCGAACAGCCCACGCCGTTTGTGTCCCTGTTCTTCCAGCG-3'
Protein context (NP_000293.2, residues 277-297): LKGIGDEALP[Thr287Met]VLVGVFIEQP